The following is an entry in ClinVar:

ClinVar aggregate classification (germline): Benign/Likely benign. Review status: criteria provided, multiple submitters, no conflicts (2 of 4 stars). 2 submissions from 2 submitters: Benign (1); Likely benign (1). Last evaluated 2023-08-11.

Conditions:
Familial Mediterranean fever (FMF). Also called: POLYSEROSITIS, FAMILIAL PAROXYSMAL; POLYSEROSITIS, RECURRENT; Periodic peritonitis; Benign paroxysmal peritonitis. Identifiers: Orphanet 342, MedGen C0031069, MONDO:0018088, OMIM 249100. Disease mechanism: gain of function.

Allele frequency attached by ClinVar (database versions not stated): TOPMed 0.00018.

Submissions (2):

Labcorp Genetics (formerly Invitae), Labcorp
Classification: Likely benign for Familial Mediterranean fever. Last evaluated: 2023-08-11. Review status: criteria provided, single submitter. Criteria: Invitae Variant Classification Sherloc (09022015). Collection method: clinical testing. Allele origin: germline.

GeneDx
Classification: Benign. Last evaluated: 2013-06-17. Review status: criteria provided, single submitter. Criteria: GeneDx Variant Classification (06012015). Collection method: clinical testing. Allele origin: germline. Affected: yes.
Comment: This variant is considered likely benign or benign based on one or more of the following criteria: it is a conservative change, it occurs at a poorly conserved position in the protein, it is predicted to be benign by multiple in silico algorithms, and/or has population frequency not consistent with disease.

NM_000243.3(MEFV):c.1356+12G>C

Gene: MEFV (MEFV innate immunity regulator, pyrin; minus strand). Cytogenetic location: 16p13.3.
Variant type: single nucleotide variant.
Coding change: c.1356+12G>C on transcript NM_000243.3 (MANE Select); 12 bases into the intron after coding-DNA position 1356, G replaced by C.
Molecular consequence: intron variant.
Genome position (GRCh38, 1-based): chr16:3,248,897, C>G on the plus strand (G>C on the coding strand, the complement: MEFV is on the minus strand). VCF-style: chr16-3248897-C-G. GRCh37 (hg19) VCF-style: chr16-3298897-C-G.
Other names: c.723+12G>C (NM_001198536.2).
Identifiers: ClinVar variation 138209 (VCV000138209.4), dbSNP rs587781036, ClinGen allele CA292060.